The following is an entry in ClinVar:

NM_004304.5(ALK):c.530G>A (p.Trp177Ter)

Gene: ALK (ALK receptor tyrosine kinase; minus strand). Cytogenetic location: 2p23.1.
Variant type: single nucleotide variant.
Coding change: c.530G>A on transcript NM_004304.5 (MANE Select); coding-DNA position 530, G replaced by A.
Protein change: p.Trp177Ter; replaces tryptophan 177 with a stop codon.
Molecular consequence: nonsense.
Genome position (GRCh38, 1-based): chr2:29,920,130, C>T on the plus strand (G>A on the coding strand, the complement: ALK is on the minus strand). VCF-style: chr2-29920130-C-T. GRCh37 (hg19) VCF-style: chr2-30142996-C-T.
Other names: c.530G>A (NM_004304.4); short protein forms W177*.
Identifiers: ClinVar variation 2981251 (VCV002981251.4), dbSNP rs2148443048, ClinGen allele CA346589861.

ClinVar aggregate classification (germline): Conflicting classifications of pathogenicity. Review status: criteria provided, conflicting classifications (1 of 4 stars). 2 submissions from 2 submitters: Uncertain significance (1); Likely benign (1). Last evaluated 2025-07-07.

Conditions:
Hereditary cancer-predisposing syndrome. Also called: Tumor predisposition; Hereditary neoplastic syndrome; Neoplastic Syndromes, Hereditary; Hereditary Cancer Syndrome. Identifiers: Orphanet 140162, MedGen C0027672, MeSH D009386, MONDO:0015356.
Neuroblastoma, susceptibility to, 3. Also called: ALK-Related Neuroblastic Tumor Susceptibility. Identifiers: Orphanet 635, MedGen C2751681, MONDO:0013083, OMIM 613014.

Submissions (2):

Ambry Genetics
Classification: Likely benign for Hereditary cancer-predisposing syndrome. Last evaluated: 2025-07-07. Review status: criteria provided, single submitter. Criteria: Ambry Variant Classification Scheme 2023. Collection method: clinical testing. Allele origin: germline.

Labcorp Genetics (formerly Invitae), Labcorp
Classification: Uncertain significance for Neuroblastoma, susceptibility to, 3. Last evaluated: 2023-11-17. Review status: criteria provided, single submitter. Criteria: Invitae Variant Classification Sherloc (09022015). Collection method: clinical testing. Allele origin: germline.
Comment: This sequence change creates a premature translational stop signal (p.Trp177*) in the ALK gene. It is expected to result in an absent or disrupted protein product. However, the current clinical and genetic evidence is not sufficient to establish whether loss-of-function variants in ALK cause disease. This variant is not present in population databases (gnomAD no frequency). This premature translational stop signal has been observed in individual(s) with pancreatic cancer (PMID: 31263571). In summary, the available evidence is currently insufficient to determine the role of this variant in disease. Therefore, it has been classified as a Variant of Uncertain Significance.

Literature cited by the submitters: PubMed 31263571 (cited by Labcorp Genetics (formerly Invitae), Labcorp).